The following is an entry in ClinVar:

ClinVar aggregate classification (germline): Likely benign (1 of 4 stars; one submission).

gnomAD v4.1: 3 of 1,554,112 alleles (0.00019%); highest among the groups gnomAD compares: Admixed American, 0.0019%; no homozygotes.

Submission:

Mayo Clinic Laboratories, Mayo Clinic
Classification: Likely benign. Last evaluated: 2025-09-28. Review status: criteria provided, single submitter. Criteria: ACMG Guidelines, 2015. Collection method: clinical testing. Allele origin: germline. Observed: 1 variant allele.
Comment: BP4, PM2_supporting

NM_001193313.2(SUGCT):c.93G>A (p.Pro31=)

Gene: SUGCT (succinyl-CoA:glutarate-CoA transferase; plus strand). Cytogenetic location: 7p14.1.
Variant type: single nucleotide variant.
Coding change: c.93G>A on transcript NM_001193313.2 (MANE Select); coding-DNA position 93, G replaced by A.
Protein change: p.Pro31=; no amino-acid change (proline 31 retained).
Molecular consequence: synonymous variant.
Genome position (GRCh38, 1-based): chr7:40,135,113, G>A. VCF-style: chr7-40135113-G-A. GRCh37 (hg19) VCF-style: chr7-40174712-G-A.
Other names: p.Pro38=; c.93G>A, p.Pro31= (NM_001193311.2, NM_001193312.2, NM_024728.3).
Identifiers: ClinVar variation 4683263 (VCV004683263.1).